The following is an entry in ClinVar:

NM_020066.5(FMN2):c.3192_3224del (p.973AGIPPPPPLPG[11])

Gene: FMN2 (formin 2; plus strand). Cytogenetic location: 1q43.
Variant type: Deletion.
Coding change: c.3192_3224del on transcript NM_020066.5 (MANE Select); coding-DNA positions 3192 to 3224, 33 bases deleted.
Protein change: p.973AGIPPPPPLPG[11].
Molecular consequence: intron variant (on NM_001348094.2).
Genome position (GRCh38, 1-based): chr1:240,208,004-240,208,036, 33 bases deleted; deleting any 33 consecutive bases within chr1:240,207,987-240,208,036 gives the same sequence; the c. name uses the placement nearest the transcript's 3' end. GRCh37 (hg19): chr1:240,371,304-240,371,336.
Other names: c.3204_3236del, p.977AGIPPPPPLPG[11] (NM_001305424.2); c.1986+19742_1986+19774del (NM_001348094.2); c.3192_3224del33 (NM_020066.5).
Identifiers: ClinVar variation 4848606 (VCV004848606.1).

ClinVar aggregate classification (germline): Uncertain significance (1 of 4 stars; one submission).

Submission:

Women's Health and Genetics/Laboratory Corporation of America, LabCorp
Classification: Uncertain significance. Last evaluated: 2026-04-14. Review status: criteria provided, single submitter. Criteria: LabCorp Variant Classification Summary - May 2015. Collection method: clinical testing. Allele origin: germline.
Comment: Variant summary: FMN2 c.3192_3224del33 (p.Ala1094_Gly1104del) results in an in-frame deletion that is predicted to remove eleven amino acids from the encoded protein. The variant was absent in 10512 control chromosomes (gnomAD). The available data on variant occurrences in the general population are insufficient to allow any conclusion about variant significance. To our knowledge, no occurrence of c.3192_3224del33 in individuals affected with FMN2-related conditions and no experimental evidence demonstrating its impact on protein function have been reported. No submitters have cited clinical-significance assessments for this variant to ClinVar. Based on the evidence outlined above, the variant was classified as uncertain significance.